The following is an entry in ClinVar:

ClinVar aggregate classification (germline): Likely pathogenic (1 of 4 stars; one submission).

Conditions:
Primary ciliary dyskinesia 3. Identifiers: Orphanet 244, MedGen C1837618, MONDO:0012085, OMIM 608644.

Submission:

Myriad Genetics, Inc.
Classification: Likely pathogenic for Primary ciliary dyskinesia 3. Last evaluated: 2021-12-21. Review status: criteria provided, single submitter. Criteria: Myriad Women's Health Autosomal Recessive and X-Linked Classification Criteria (2021). Collection method: clinical testing. Allele origin: unknown.
Comment: NM_001369.2(DNAH5):c.5802_5803insGACG(I1935Dfs*12) is expected to be pathogenic in the context of DNAH5-related primary ciliary dyskinesia. This variant is predicted to lead to an abnormal or absent protein product due to the creation of a premature termination codon in DNAH5, a gene where loss-of-function variants are known to be pathogenic. Please note: this variant was assessed in the context of healthy population screening.

NM_001369.3(DNAH5):c.5802_5803insGACG (p.Ile1935fs)

Gene: DNAH5 (dynein axonemal heavy chain 5; minus strand). Cytogenetic location: 5p15.2.
Variant type: Insertion.
Coding change: c.5802_5803insGACG on transcript NM_001369.3 (MANE Select); coding-DNA positions 5802 to 5803, GACG inserted.
Protein change: p.Ile1935fs; shifts the reading frame from isoleucine 1935.
Molecular consequence: frameshift variant.
Genome position: GRCh38 VCF-style: chr5-13839435-T-TCGTC. GRCh37 (hg19) VCF-style: chr5-13839544-T-TCGTC.
Other names: short protein forms I1935fs.
Identifiers: ClinVar variation 1726550 (VCV001726550.2), dbSNP rs2546902976, ClinGen allele CA2580072064.